The following is an entry in ClinVar:

ClinVar aggregate classification (germline): Uncertain significance. Review status: criteria provided, single submitter (1 of 4 stars). 2 submissions from 2 submitters: Uncertain significance (1). 1 of the submissions does not count toward it. Last evaluated 2024-10-21.

Conditions:
Epidermolysis bullosa dystrophica inversa, autosomal recessive. Identifiers: MedGen C2673612.

Allele frequency attached by ClinVar (database versions not stated): ExAC 0.00001; gnomAD 0.00001; gnomAD exomes 0.00001 and 0.00002; TOPMed 0.00001.
gnomAD v4.1: 17 of 1,613,676 alleles (0.0011%); highest among the groups gnomAD compares: Middle Eastern, 0.016%; no homozygotes.

Submissions (2):

Labcorp Genetics (formerly Invitae), Labcorp
Classification: Uncertain significance. Last evaluated: 2024-10-21. Review status: criteria provided, single submitter. Criteria: Invitae Variant Classification Sherloc (09022015). Collection method: clinical testing. Allele origin: germline.
Comment: This sequence change replaces arginine, which is basic and polar, with glutamine, which is neutral and polar, at codon 2532 of the COL7A1 protein (p.Arg2532Gln). This variant is present in population databases (rs755230641, gnomAD 0.009%). This variant has not been reported in the literature in individuals affected with COL7A1-related conditions. ClinVar contains an entry for this variant (Variation ID: 990819). Invitae Evidence Modeling of protein sequence and biophysical properties (such as structural, functional, and spatial information, amino acid conservation, physicochemical variation, residue mobility, and thermodynamic stability) indicates that this missense variant is not expected to disrupt COL7A1 protein function with a negative predictive value of 95%. In summary, the available evidence is currently insufficient to determine the role of this variant in disease. Therefore, it has been classified as a Variant of Uncertain Significance.

Natera, Inc.
Classification: Uncertain significance for Autosomal recessive epidermolysis bullosa dystrophica inversa. Last evaluated: 2020-09-01. Review status: no assertion criteria provided. Collection method: clinical testing. Allele origin: germline. Not counted in ClinVar's aggregate classification.

NM_000094.4(COL7A1):c.7595G>A (p.Arg2532Gln)

Gene: COL7A1 (collagen type VII alpha 1 chain; minus strand). Cytogenetic location: 3p21.31.
Variant type: single nucleotide variant.
Coding change: c.7595G>A on transcript NM_000094.4 (MANE Select); coding-DNA position 7595, G replaced by A.
Protein change: p.Arg2532Gln; replaces arginine 2532 with glutamine.
Molecular consequence: missense variant.
Genome position (GRCh38, 1-based): chr3:48,569,611, C>T on the plus strand (G>A on the coding strand, the complement: COL7A1 is on the minus strand). VCF-style: chr3-48569611-C-T. GRCh37 (hg19) VCF-style: chr3-48607044-C-T.
Other names: short protein forms R2532Q.
Identifiers: ClinVar variation 990819 (VCV000990819.2), dbSNP rs755230641, ClinGen allele CA2378409.